The following is an entry in ClinVar:

NM_006421.5(ARFGEF1):c.923C>A (p.Ser308Tyr)

Gene: ARFGEF1 (ARF guanine nucleotide exchange factor 1; minus strand). Cytogenetic location: 8q13.2.
Variant type: single nucleotide variant.
Coding change: c.923C>A on transcript NM_006421.5 (MANE Select); coding-DNA position 923, C replaced by A.
Protein change: p.Ser308Tyr; replaces serine 308 with tyrosine.
Molecular consequence: missense variant. On other transcripts: 5 prime UTR variant (1), non-coding transcript variant (1).
Genome position (GRCh38, 1-based): chr8:67,288,059, G>T on the plus strand (C>A on the coding strand, the complement: ARFGEF1 is on the minus strand). VCF-style: chr8-67288059-G-T. GRCh37 (hg19) VCF-style: chr8-68200294-G-T.
Other names: c.923C>A, p.Ser308Tyr (NM_001413184.1, NM_001413185.1, NM_001413186.1 and 7 more transcripts); c.323C>A, p.Ser108Tyr (NM_001413188.1, NM_001413193.1, NM_001413197.1); c.-193C>A (NM_001413196.1); short protein forms S108Y, S308Y.
Identifiers: ClinVar variation 3369667 (VCV003369667.1).

ClinVar aggregate classification (germline): Uncertain significance (1 of 4 stars; one submission).

Submission:

GeneDx
Classification: Uncertain significance. Last evaluated: 2024-02-22. Review status: criteria provided, single submitter. Criteria: GeneDx Variant Classification Process June 2021. Collection method: clinical testing. Allele origin: germline. Affected: yes.
Comment: Not observed at significant frequency in large population cohorts (gnomAD); In silico analysis supports that this missense variant does not alter protein structure/function; Has not been previously published as pathogenic or benign to our knowledge